The following is an entry in ClinVar:

ClinVar aggregate classification (germline): Conflicting classifications of pathogenicity. Review status: criteria provided, conflicting classifications (1 of 4 stars). 3 submissions from 3 submitters: Uncertain significance (2); Likely benign (1). Last evaluated 2026-07-06.

Conditions:
Cardiovascular phenotype. Identifiers: MedGen CN230736.
Hereditary cancer-predisposing syndrome. Also called: Tumor predisposition; Hereditary Cancer Syndrome; Neoplastic Syndromes, Hereditary; Hereditary neoplastic syndrome. Identifiers: Orphanet 140162, MedGen C0027672, MeSH D009386, MONDO:0015356.
Neurofibromatosis, type 1 (NF1). Also called: NEUROFIBROMATOSIS, TYPE I, SOMATIC; VON RECKLINGHAUSEN DISEASE; Neurofibromatosis, type I; Peripheral type neurofibromatosis. Identifiers: Orphanet 636, MedGen C0027831, MONDO:0018975, OMIM 162200. Disease mechanism: loss of function.

Submissions (3):

Ambry Genetics
Classification: Likely benign for Cardiovascular phenotype; Hereditary cancer-predisposing syndrome. Last evaluated: 2026-07-06. Review status: criteria provided, single submitter. Criteria: Ambry Variant Classification Scheme 2023. Collection method: clinical testing. Allele origin: germline.

Genome-Nilou Lab
Classification: Uncertain significance for Neurofibromatosis, type 1. Last evaluated: 2022-03-15. Review status: criteria provided, single submitter. Criteria: ACMG Guidelines, 2015. Collection method: clinical testing. Allele origin: germline. Affected: no.

Labcorp Genetics (formerly Invitae), Labcorp
Classification: Uncertain significance for Neurofibromatosis, type 1. Last evaluated: 2021-01-26. Review status: criteria provided, single submitter. Criteria: Invitae Variant Classification Sherloc (09022015). Collection method: clinical testing. Allele origin: germline.
Comment: This sequence change replaces threonine with alanine at codon 862 of the NF1 protein (p.Thr862Ala). The threonine residue is moderately conserved and there is a small physicochemical difference between threonine and alanine. This variant is not present in population databases (ExAC no frequency). This variant has not been reported in the literature in individuals with NF1-related conditions. Algorithms developed to predict the effect of missense changes on protein structure and function are either unavailable or do not agree on the potential impact of this missense change (SIFT: "Tolerated"; PolyPhen-2: "Probably Damaging"; Align-GVGD: "Class C0"). Algorithms developed to predict the effect of sequence changes on RNA splicing suggest that this variant may create or strengthen a splice site, but this prediction has not been confirmed by published transcriptional studies. In summary, the available evidence is currently insufficient to determine the role of this variant in disease. Therefore, it has been classified as a Variant of Uncertain Significance.

NM_001042492.3(NF1):c.2584A>G (p.Thr862Ala)

Gene: NF1 (neurofibromin 1; plus strand). Cytogenetic location: 17q11.2.
Variant type: single nucleotide variant.
Coding change: c.2584A>G on transcript NM_001042492.3 (MANE Select); coding-DNA position 2584, A replaced by G.
Protein change: p.Thr862Ala; replaces threonine 862 with alanine.
Molecular consequence: missense variant.
Genome position (GRCh38, 1-based): chr17:31,229,199, A>G. VCF-style: chr17-31229199-A-G. GRCh37 (hg19) VCF-style: chr17-29556217-A-G.
Other names: c.2584A>G, p.Thr862Ala (NM_000267.4); short protein forms T862A.
Identifiers: ClinVar variation 821519 (VCV000821519.13), dbSNP rs1597715417, ClinGen allele CA398984377.